The following is an entry in ClinVar:

ClinVar aggregate classification (germline): Benign/Likely benign. Review status: criteria provided, multiple submitters, no conflicts (2 of 4 stars). 2 submissions from 2 submitters: Benign (1); Likely benign (1). Last evaluated 2025-12-10.

Allele frequency attached by ClinVar (database versions not stated): 1000 Genomes Project 30x 0.00016; 1000 Genomes Project 0.00020; gnomAD 0.00021 and 0.00026; ESP Exome Variant Server 0.00023; TOPMed 0.00023; gnomAD exomes 0.00030 and 0.00051; ExAC 0.00057.

Submissions (2):

Labcorp Genetics (formerly Invitae), Labcorp
Classification: Benign. Last evaluated: 2025-12-10. Review status: criteria provided, single submitter. Criteria: Invitae Variant Classification Sherloc (09022015). Collection method: clinical testing. Allele origin: germline.

CeGaT Center for Human Genetics Tuebingen
Classification: Likely benign. Last evaluated: 2022-05-01. Review status: criteria provided, single submitter. Criteria: CeGaT Center For Human Genetics Tuebingen Variant Classification Criteria Version 2. Collection method: clinical testing. Allele origin: germline. Affected: yes. Observed: 1 variant allele.
Comment: FGFRL1: BP4, BP7

NM_001004356.3(FGFRL1):c.336C>T (p.Tyr112=)

Gene: FGFRL1 (fibroblast growth factor receptor like 1; plus strand). Cytogenetic location: 4p16.3.
Variant type: single nucleotide variant.
Coding change: c.336C>T on transcript NM_001004356.3 (MANE Select); coding-DNA position 336, C replaced by T.
Protein change: p.Tyr112=; no amino-acid change (tyrosine 112 retained).
Molecular consequence: synonymous variant.
Genome position (GRCh38, 1-based): chr4:1,022,459, C>T. VCF-style: chr4-1022459-C-T. GRCh37 (hg19) VCF-style: chr4-1016247-C-T.
Other names: c.336C>T, p.Tyr112= (NM_001004358.1, NM_001370296.1, NM_021923.3).
Identifiers: ClinVar variation 736979 (VCV000736979.32), dbSNP rs139057147, ClinGen allele CA2802651.